The following is an entry in ClinVar:

ClinVar aggregate classification (germline): Benign/Likely benign. Review status: criteria provided, multiple submitters, no conflicts (2 of 4 stars). 8 submissions from 7 submitters: Benign (1); Likely benign (6). 1 of the submissions does not count toward it. Last evaluated 2026-09-01.

Conditions:
SETX-related disorder. Also called: SETX-related disorders; SETX-related condition. Identifiers: MedGen CN239403.
Inborn genetic diseases. Identifiers: MedGen C0950123, MeSH D030342.
Spinocerebellar ataxia, autosomal recessive, with axonal neuropathy 2 (SCAN2). Also called: Ataxia with Oculomotor Apraxia; Ataxia-ocular apraxia-2; Ataxia with Oculomotor Apraxia Type 2; ATAXIA-OCULOMOTOR APRAXIA 2. Identifiers: Orphanet 64753, MedGen C1853761, MONDO:0018996, OMIM 606002.
Amyotrophic lateral sclerosis type 4 (ALS4). Also called: NEURONOPATHY, DISTAL HEREDITARY MOTOR, WITH PYRAMIDAL FEATURES; AMYOTROPHIC LATERAL SCLEROSIS 4, JUVENILE. Identifiers: Orphanet 357043, MedGen C1865409, MONDO:0011223, OMIM 602433.

Allele frequency attached by ClinVar (database versions not stated): ExAC 0.00002; gnomAD exomes 0.00002 and 0.00003; TOPMed 0.00006; ESP Exome Variant Server 0.00015.
gnomAD v4.1: 48 of 1,612,546 alleles (0.003%); highest among the groups gnomAD compares: Non-Finnish European, 0.0038%; no homozygotes.

Submissions (8):

CeGaT Center for Human Genetics Tuebingen
Classification: Likely benign. Last evaluated: 2026-09-01. Review status: criteria provided, single submitter. Criteria: CeGaT Center For Human Genetics Tuebingen Variant Classification Criteria Version 2. Collection method: clinical testing. Allele origin: germline. Affected: yes. Observed: 1 variant allele.
Comment: SETX: BP4, BP7

Labcorp Genetics (formerly Invitae), Labcorp
Classification: Benign for Amyotrophic lateral sclerosis type 4; Spinocerebellar ataxia, autosomal recessive, with axonal neuropathy 2. Last evaluated: 2025-05-11. Review status: criteria provided, single submitter. Criteria: Invitae Variant Classification Sherloc (09022015). Collection method: clinical testing. Allele origin: germline.

Genome-Nilou Lab
Classification: Likely benign for Spinocerebellar ataxia, autosomal recessive, with axonal neuropathy 2. Last evaluated: 2023-02-08. Review status: criteria provided, single submitter. Criteria: ACMG Guidelines, 2015. Collection method: clinical testing. Allele origin: germline.

Genome-Nilou Lab
Classification: Likely benign for Amyotrophic lateral sclerosis type 4. Last evaluated: 2023-02-08. Review status: criteria provided, single submitter. Criteria: ACMG Guidelines, 2015. Collection method: clinical testing. Allele origin: germline.

Blueprint Genetics
Classification: Likely benign. Last evaluated: 2022-09-20. Review status: criteria provided, single submitter. Criteria: ACMG Guidelines, 2015. Collection method: clinical testing. Allele origin: germline.

Ambry Genetics
Classification: Likely benign for Inborn genetic diseases. Last evaluated: 2019-07-11. Review status: criteria provided, single submitter. Criteria: Ambry Variant Classification Scheme 2023. Collection method: clinical testing. Allele origin: germline.

Athena Diagnostics
Classification: Likely benign. Last evaluated: 2017-09-20. Review status: criteria provided, single submitter. Criteria: Athena Diagnostics Criteria. Collection method: clinical testing. Allele origin: germline.

PreventionGenetics, part of Exact Sciences
Classification: Likely benign for SETX-related condition. Last evaluated: 2023-09-13. Review status: no assertion criteria provided. Collection method: clinical testing. Allele origin: germline. Not counted in ClinVar's aggregate classification.
Comment: This variant is classified as likely benign based on ACMG/AMP sequence variant interpretation guidelines (Richards et al. 2015 PMID: 25741868, with internal and published modifications).

NM_015046.7(SETX):c.1467C>T (p.Val489=)

Gene: SETX (senataxin; minus strand). Cytogenetic location: 9q34.13.
Variant type: single nucleotide variant.
Coding change: c.1467C>T on transcript NM_015046.7 (MANE Select); coding-DNA position 1467, C replaced by T.
Protein change: p.Val489=; no amino-acid change (valine 489 retained).
Molecular consequence: synonymous variant.
Genome position (GRCh38, 1-based): chr9:132,330,131, G>A on the plus strand (C>T on the coding strand, the complement: SETX is on the minus strand). VCF-style: chr9-132330131-G-A. GRCh37 (hg19) VCF-style: chr9-135205518-G-A.
Other names: c.1467C>T, p.Val489= (NM_001351527.2, NM_001351528.2).
Identifiers: ClinVar variation 586538 (VCV000586538.10), dbSNP rs142093830, ClinGen allele CA5297772.